The following is an entry in ClinVar:

NC_000005.9:g.(?_37184870)_(37371079_?)dup

Genes: CPLANE1 (ciliogenesis and planar polarity effector complex subunit 1; minus strand), NUP155 (nucleoporin 155; minus strand). Cytogenetic location: 5p13.2.
Variant type: Duplication.
Identifiers: ClinVar variation 2426790 (VCV002426790.3).

ClinVar aggregate classification (germline): Uncertain significance (1 of 4 stars; one submission).

Submission:

Labcorp Genetics (formerly Invitae), Labcorp
Classification: Uncertain significance. Last evaluated: 2022-10-25. Review status: criteria provided, single submitter. Criteria: Invitae Variant Classification Sherloc (09022015). Collection method: clinical testing. Allele origin: germline.
Comment: In summary, the available evidence is currently insufficient to determine the role of this variant in disease. Therefore, it has been classified as a Variant of Uncertain Significance. This variant has not been reported in the literature in individuals affected with CPLANE1-related conditions. This variant results in a copy number gain of the genomic region encompassing exon(s) 1-25 of the CPLANE1 gene. This region includes the initiator codon of the gene. This copy number gain extends beyond the assayed region for this gene and therefore may encompass additional genes. As the precise location of this event is unknown, it may be in tandem or it may be located elsewhere in the genome.